The following is an entry in ClinVar:

ClinVar aggregate classification (germline): Uncertain significance (1 of 4 stars; one submission).

Conditions:
Combined immunodeficiency due to LRBA deficiency. Also called: Common variable immunodeficiency 8, with autoimmunity. Identifiers: Orphanet 445018, MedGen C3553512, MONDO:0013863, OMIM 614700.

Submission:

Labcorp Genetics (formerly Invitae), Labcorp
Classification: Uncertain significance for Combined immunodeficiency due to LRBA deficiency. Last evaluated: 2025-03-09. Review status: criteria provided, single submitter. Criteria: Invitae Variant Classification Sherloc (09022015). Collection method: clinical testing. Allele origin: germline.
Comment: This sequence change replaces arginine, which is basic and polar, with threonine, which is neutral and polar, at codon 736 of the LRBA protein (p.Arg736Thr). This variant is not present in population databases (gnomAD no frequency). This variant has not been reported in the literature in individuals affected with LRBA-related conditions. Invitae Evidence Modeling of protein sequence and biophysical properties (such as structural, functional, and spatial information, amino acid conservation, physicochemical variation, residue mobility, and thermodynamic stability) indicates that this missense variant is expected to disrupt LRBA protein function with a positive predictive value of 80%. In summary, the available evidence is currently insufficient to determine the role of this variant in disease. Therefore, it has been classified as a Variant of Uncertain Significance.

NM_001364905.1(LRBA):c.2207G>C (p.Arg736Thr)

Gene: LRBA (LPS responsive beige-like anchor protein; minus strand). Cytogenetic location: 4q31.3.
Variant type: single nucleotide variant.
Coding change: c.2207G>C on transcript NM_001364905.1 (MANE Select); coding-DNA position 2207, G replaced by C.
Protein change: p.Arg736Thr; replaces arginine 736 with threonine.
Molecular consequence: missense variant.
Genome position (GRCh38, 1-based): chr4:150,872,714, C>G on the plus strand (G>C on the coding strand, the complement: LRBA is on the minus strand). VCF-style: chr4-150872714-C-G. GRCh37 (hg19) VCF-style: chr4-151793866-C-G.
Other names: c.2207G>C, p.Arg736Thr (NM_001199282.3, NM_001367550.1, NM_001440430.1 and 2 more transcripts); short protein forms R736T.
Identifiers: ClinVar variation 4739072 (VCV004739072.1).